The following is an entry in ClinVar:

ClinVar aggregate classification (germline): Uncertain significance (1 of 4 stars; one submission).

gnomAD v4.1: 10 of 1,614,090 alleles (0.00062%); highest among the groups gnomAD compares: African/African-American, 0.0027%; no homozygotes.

Submission:

Labcorp Genetics (formerly Invitae), Labcorp
Classification: Uncertain significance. Last evaluated: 2025-10-18. Review status: criteria provided, single submitter. Criteria: Invitae Variant Classification Sherloc (09022015). Collection method: clinical testing. Allele origin: germline.
Comment: This sequence change replaces valine, which is neutral and non-polar, with methionine, which is neutral and non-polar, at codon 84 of the MS4A1 protein (p.Val84Met). This variant is present in population databases (rs200832581, gnomAD 0.007%). This variant has not been reported in the literature in individuals affected with MS4A1-related conditions. An algorithm developed to predict the effect of missense changes on protein structure and function (PolyPhen-2) suggests that this variant is likely to be tolerated. In summary, the available evidence is currently insufficient to determine the role of this variant in disease. Therefore, it has been classified as a Variant of Uncertain Significance.

NM_152866.3(MS4A1):c.250G>A (p.Val84Met)

Gene: MS4A1 (membrane spanning 4-domains A1; plus strand). Cytogenetic location: 11q12.2.
Variant type: single nucleotide variant.
Coding change: c.250G>A on transcript NM_152866.3 (MANE Select); coding-DNA position 250, G replaced by A.
Protein change: p.Val84Met; replaces valine 84 with methionine.
Molecular consequence: missense variant.
Genome position (GRCh38, 1-based): chr11:60,463,092, G>A. VCF-style: chr11-60463092-G-A. GRCh37 (hg19) VCF-style: chr11-60230565-G-A.
Other names: c.250G>A, p.Val84Met (NM_021950.4, NM_152867.2); short protein forms V84M.
Identifiers: ClinVar variation 4692278 (VCV004692278.1).